The following is an entry in ClinVar:

ClinVar aggregate classification (germline): Likely pathogenic (1 of 4 stars; one submission).

Allele frequency attached by ClinVar (database versions not stated): TOPMed below 0.00001; gnomAD 0.00001.
gnomAD v4.1: 1 of 1,596,156 alleles (0.000063%); highest among the groups gnomAD compares: Non-Finnish European, 0.000085%; no homozygotes.

Submission:

Mayo Clinic Laboratories, Mayo Clinic
Classification: Likely pathogenic. Last evaluated: 2021-11-30. Review status: criteria provided, single submitter. Criteria: ACMG Guidelines, 2015. Collection method: clinical testing. Allele origin: germline. Observed: 1 variant allele.
Comment: PP2, PM2_supporting, PS3_moderate, PS4_moderate

NM_198253.3(TERT):c.250G>A (p.Val84Met)

Genes: TERT (telomerase reverse transcriptase; minus strand), LOC110806263 (TERT 5' regulatory region; plus strand). Cytogenetic location: 5p15.33.
Variant type: single nucleotide variant.
Coding change: c.250G>A on transcript NM_198253.3 (MANE Select); coding-DNA position 250, G replaced by A.
Protein change: p.Val84Met; replaces valine 84 with methionine.
Molecular consequence: missense variant. On other transcripts: non-coding transcript variant (2).
Genome position (GRCh38, 1-based): chr5:1,294,636, C>T on the plus strand (G>A on the coding strand, the complement: TERT is on the minus strand). VCF-style: chr5-1294636-C-T. GRCh37 (hg19) VCF-style: chr5-1294751-C-T.
Other names: p.Val84Met; c.250G>A, p.Val84Met (NM_001193376.3); short protein forms V84M.
Identifiers: ClinVar variation 1693891 (VCV001693891.5), dbSNP rs867069017, ClinGen allele CA112915424.